The following is an entry in ClinVar:

NM_001033855.3(DCLRE1C):c.276G>C (p.Gln92His)

Gene: DCLRE1C (DNA cross-link repair 1C; minus strand). Cytogenetic location: 10p13.
Variant type: single nucleotide variant.
Coding change: c.276G>C on transcript NM_001033855.3 (MANE Select); coding-DNA position 276, G replaced by C.
Protein change: p.Gln92His; replaces glutamine 92 with histidine.
Molecular consequence: missense variant. On other transcripts: 5 prime UTR variant (9), non-coding transcript variant (4).
Genome position (GRCh38, 1-based): chr10:14,939,840, C>G on the plus strand (G>C on the coding strand, the complement: DCLRE1C is on the minus strand). VCF-style: chr10-14939840-C-G. GRCh37 (hg19) VCF-style: chr10-14981839-C-G.
Other names: NM_001033855.3(DCLRE1C):c.276G>C; p.Gln92His; c.-85G>C (NM_001033857.3, NM_001033858.3, NM_001289077.2 and 2 more transcripts); c.-14G>C (NM_001289076.2, NM_001289078.2, NM_001350966.2 and 1 more transcripts); c.276G>C, p.Gln92His (NM_001350965.2); short protein forms Q92H.
Identifiers: ClinVar variation 1438768 (VCV001438768.5), dbSNP rs1840576379, ClinGen allele CA376062327.
Genomic context (GRCh38, chr10:14,939,840, plus strand): 5'-TAAAAAAATCAATATTTAATATTTAGTTACCTCTCCTGATGCTTCATCCACTAAAGATAT[C>G]TGGGTAGGAGTCTCGATTTCAATAGATATCTATAAAAATAAAATAAGAGACCATGTATAT-3'
Protein context (NP_001029027.1, residues 82-102): IISIEIETPT[Gln92His]ISLVDEASGE

ClinVar aggregate classification (germline): Uncertain significance. Review status: reviewed by expert panel (3 of 4 stars). 2 submissions from 2 submitters: Uncertain significance (1). 1 of the submissions does not count toward it. Last evaluated 2024-02-15.

Conditions:
Severe combined immunodeficiency due to DCLRE1C deficiency (RS-SCID). Also called: SCID, AUTOSOMAL RECESSIVE, T CELL-NEGATIVE, B CELL-NEGATIVE, NK CELL-POSITIVE, WITH SENSITIVITY TO IONIZING RADIATION. Identifiers: Orphanet 275, MedGen C1865371, MONDO:0011225, OMIM 602450.

Submissions (2):

ClinGen Severe Combined Immunodeficiency Variant Curation Expert Panel, ClinGen
Classification: Uncertain significance for Severe combined immunodeficiency due to DCLRE1C deficiency. Last evaluated: 2024-02-15. Review status: reviewed by expert panel. Criteria: ClinGen SCID ACMG Specifications DCLRE1C V1.0.0. Collection method: curation. Allele origin: germline. Inheritance: Autosomal recessive inheritance.
Comment: The c.276G>C (NM_001033855.3) variant in DCLRE1C is a missense variant predicted to cause substitution of Glutamine by Histidine at amino acid 92 (p.Gln92His). This variant is absent from gnomAD v4 (PM2_Supporting). To our knowledge, this variant has not been reported in the literature in individuals affected with DCLRE1C-related conditions or in functional studies. In summary, this variant meets the criteria to be classified as a variant of uncertain significance for autosomal recessive severe combined immunodeficiency due to DCLRE1C deficiency based on the ACMG/AMP criteria applied, as specified by the ClinGen SCID VCEP: PM2_Supporting (VCEP specifications version 1).

Labcorp Genetics (formerly Invitae), Labcorp
Classification: Uncertain significance for Athabaskan severe combined immunodeficiency. Last evaluated: 2021-09-24. Review status: criteria provided, single submitter. Criteria: Invitae Variant Classification Sherloc (09022015). Collection method: clinical testing. Allele origin: germline. Not counted in ClinVar's aggregate classification.
Comment: This sequence change replaces glutamine with histidine at codon 92 of the DCLRE1C protein (p.Gln92His). The glutamine residue is moderately conserved and there is a small physicochemical difference between glutamine and histidine. This variant is not present in population databases (ExAC no frequency). This variant has not been reported in the literature in individuals with DCLRE1C-related conditions. Algorithms developed to predict the effect of missense changes on protein structure and function are either unavailable or do not agree on the potential impact of this missense change (SIFT: "Tolerated"; PolyPhen-2: "Probably Damaging"; Align-GVGD: "Class C0"). In summary, the available evidence is currently insufficient to determine the role of this variant in disease. Therefore, it has been classified as a Variant of Uncertain Significance.